The following is an entry in ClinVar:

ClinVar aggregate classification (germline): Uncertain significance (1 of 4 stars; one submission).

Conditions:
Multiple congenital anomalies-hypotonia-seizures syndrome 1 (MCAHS1). Also called: PIGN-CDG; Congenital disorder of glycosylation due to PIGN deficiency; GLYCOSYLPHOSPHATIDYLINOSITOL BIOSYNTHESIS DEFECT 3. Identifiers: Orphanet 280633, MedGen C3279775, MONDO:0013563, OMIM 614080.

gnomAD v4.1: 1 of 1,583,772 alleles (0.000063%); highest among the groups gnomAD compares: South Asian, 0.0011%; no homozygotes.

Submission:

Labcorp Genetics (formerly Invitae), Labcorp
Classification: Uncertain significance for Multiple congenital anomalies-hypotonia-seizures syndrome 1. Last evaluated: 2021-06-10. Review status: criteria provided, single submitter. Criteria: Invitae Variant Classification Sherloc (09022015). Collection method: clinical testing. Allele origin: germline.
Comment: In summary, the available evidence is currently insufficient to determine the role of this variant in disease. Therefore, it has been classified as a Variant of Uncertain Significance. Algorithms developed to predict the effect of missense changes on protein structure and function output the following: SIFT: "Not Available"; PolyPhen-2: "Benign"; Align-GVGD: "Not Available". The glycine amino acid residue is found in multiple mammalian species, suggesting that this missense change does not adversely affect protein function. These predictions have not been confirmed by published functional studies and their clinical significance is uncertain. This variant has not been reported in the literature in individuals with PIGN-related conditions. This variant is not present in population databases (ExAC no frequency). This sequence change replaces aspartic acid with glycine at codon 160 of the PIGN protein (p.Asp160Gly). The aspartic acid residue is weakly conserved and there is a moderate physicochemical difference between aspartic acid and glycine.

NM_176787.5(PIGN):c.479A>G (p.Asp160Gly)

Gene: PIGN (phosphatidylinositol glycan anchor biosynthesis class N; minus strand). Cytogenetic location: 18q21.33.
Variant type: single nucleotide variant.
Coding change: c.479A>G on transcript NM_176787.5 (MANE Select); coding-DNA position 479, A replaced by G.
Protein change: p.Asp160Gly; replaces aspartic acid 160 with glycine.
Molecular consequence: missense variant.
Genome position (GRCh38, 1-based): chr18:62,154,615, T>C on the plus strand (A>G on the coding strand, the complement: PIGN is on the minus strand). VCF-style: chr18-62154615-T-C. GRCh37 (hg19) VCF-style: chr18-59821848-T-C.
Other names: c.479A>G, p.Asp160Gly (NM_012327.6); short protein forms D160G.
Identifiers: ClinVar variation 1360209 (VCV001360209.8), dbSNP rs2147455075, ClinGen allele CA402602860.